The following is an entry in ClinVar:

NM_015137.6(EFR3A):c.2213G>A (p.Ser738Asn)

Gene: EFR3A (EFR3 homolog A; plus strand). Cytogenetic location: 8q24.22.
Variant type: single nucleotide variant.
Coding change: c.2213G>A on transcript NM_015137.6 (MANE Select); coding-DNA position 2213, G replaced by A.
Protein change: p.Ser738Asn; replaces serine 738 with asparagine.
Molecular consequence: missense variant. On other transcripts: non-coding transcript variant (2).
Genome position (GRCh38, 1-based): chr8:132,002,609, G>A. VCF-style: chr8-132002609-G-A. GRCh37 (hg19) VCF-style: chr8-133014856-G-A.
Other names: c.2105G>A, p.Ser702Asn (NM_001323553.2, NM_001323554.2, NM_001323555.2 and 2 more transcripts); c.2264G>A, p.Ser755Asn (NM_001323558.2); c.2213G>A (NM_015137.5); short protein forms S738N, S755N, S702N.
Identifiers: ClinVar variation 4016592 (VCV004016592.2).

ClinVar aggregate classification (germline): Conflicting classifications of pathogenicity. Review status: criteria provided, conflicting classifications (1 of 4 stars). 2 submissions from 2 submitters: Uncertain significance (1); Likely benign (1). Last evaluated 2026-03-09.

Conditions:
EFR3A-related disorder. Also called: EFR3A-related condition.

gnomAD v4.1: 15 of 1,612,224 alleles (0.00093%); highest among the groups gnomAD compares: African/African-American, 0.019%; no homozygotes.

Submissions (2):

PreventionGenetics, part of Exact Sciences
Classification: Uncertain significance for EFR3A-related condition. Last evaluated: 2026-03-09. Review status: criteria provided, single submitter. Criteria: ACMG Guidelines, 2015. Collection method: clinical testing. Allele origin: germline.
Comment: The EFR3A c.2213G>A variant is predicted to result in the amino acid substitution p.Ser738Asn. To our knowledge, this variant has not been reported in the literature. This variant is reported in 0.036% of alleles in individuals of African descent in gnomAD. At this time, the clinical significance of this variant is uncertain due to the absence of conclusive functional and genetic evidence.

Ambry Genetics
Classification: Likely benign. Last evaluated: 2025-05-30. Review status: criteria provided, single submitter. Criteria: Ambry Variant Classification Scheme 2023. Collection method: clinical testing. Allele origin: germline.